The following is an entry in ClinVar:

NM_176787.5(PIGN):c.2029A>C (p.Lys677Gln)

Gene: PIGN (phosphatidylinositol glycan anchor biosynthesis class N; minus strand). Cytogenetic location: 18q21.33.
Variant type: single nucleotide variant.
Coding change: c.2029A>C on transcript NM_176787.5 (MANE Select); coding-DNA position 2029, A replaced by C.
Protein change: p.Lys677Gln; replaces lysine 677 with glutamine.
Molecular consequence: missense variant.
Genome position (GRCh38, 1-based): chr18:62,101,123, T>G on the plus strand (A>C on the coding strand, the complement: PIGN is on the minus strand). VCF-style: chr18-62101123-T-G. GRCh37 (hg19) VCF-style: chr18-59768356-T-G.
Other names: c.2029A>C, p.Lys677Gln (NM_012327.6); short protein forms K677Q.
Identifiers: ClinVar variation 3906061 (VCV003906061.10).

ClinVar aggregate classification (germline): Uncertain significance (1 of 4 stars; one submission).

Submission:

CeGaT Center for Human Genetics Tuebingen
Classification: Uncertain significance. Last evaluated: 2025-06-01. Review status: criteria provided, single submitter. Criteria: CeGaT Center For Human Genetics Tuebingen Variant Classification Criteria Version 2. Collection method: clinical testing. Allele origin: germline. Affected: yes. Observed: 1 variant allele.
Comment: PIGN: PM2, BP4